The following is an entry in ClinVar:

ClinVar aggregate classification (germline): Uncertain significance (1 of 4 stars; one submission).

Conditions:
Coffin-Siris syndrome 12. Identifiers: MedGen C5444111, MONDO:0025699, OMIM 619325.

gnomAD v4.1: 5 of 1,531,390 alleles (0.00033%); highest among the groups gnomAD compares: African/African-American, 0.0042%; no homozygotes.

Submission:

Dasa
Classification: Uncertain significance for Coffin-Siris syndrome 12. Last evaluated: 2025-11-24. Review status: criteria provided, single submitter. Criteria: DASA Assertion Criteria. Collection method: clinical testing. Allele origin: germline.
Comment: NM_001394372.1(BICRA):c.952G>A (p.Gly318Arg) is a missense variant that results in the substitution of glycine with arginine. This variant is rare in population databases. The currently available literature and clinical evidence are not sufficient to establish a definitive association between this variant and the reported condition. Therefore, this variant is classified as a variant of uncertain significance.

NM_001394372.1(BICRA):c.952G>A (p.Gly318Arg)

Gene: BICRA (BRD4 interacting chromatin remodeling complex associated protein; plus strand). Cytogenetic location: 19q13.33.
Variant type: single nucleotide variant.
Coding change: c.952G>A on transcript NM_001394372.1 (MANE Select); coding-DNA position 952, G replaced by A.
Protein change: p.Gly318Arg; replaces glycine 318 with arginine.
Molecular consequence: missense variant.
Genome position (GRCh38, 1-based): chr19:47,680,122, G>A. VCF-style: chr19-47680122-G-A. GRCh37 (hg19) VCF-style: chr19-48183379-G-A.
Other names: c.952G>A, p.Gly318Arg (NM_015711.3); short protein forms G318R.
Identifiers: ClinVar variation 4883616 (VCV004883616.2).